The following is an entry in ClinVar:

NM_020964.3(EPG5):c.1270A>G (p.Ser424Gly)

Genes: EPG5 (ectopic P-granules 5 autophagy tethering factor; minus strand), LOC126862737 (P300/CBP strongly-dependent group 1 enhancer GRCh37_chr18:43530707-43531906; plus strand). Cytogenetic location: 18q21.1.
Variant type: single nucleotide variant.
Coding change: c.1270A>G on transcript NM_020964.3 (MANE Select); coding-DNA position 1270, A replaced by G.
Protein change: p.Ser424Gly; replaces serine 424 with glycine.
Molecular consequence: missense variant.
Genome position (GRCh38, 1-based): chr18:45,951,221, T>C on the plus strand (A>G on the coding strand, the complement: EPG5 is on the minus strand). VCF-style: chr18-45951221-T-C. GRCh37 (hg19) VCF-style: chr18-43531187-T-C.
Other names: c.1270A>G, p.Ser424Gly (NM_001410858.1, NM_001410859.1); short protein forms S424G.
Identifiers: ClinVar variation 2195494 (VCV002195494.1), dbSNP rs758279694, ClinGen allele CA8949767.

ClinVar aggregate classification (germline): Uncertain significance (1 of 4 stars; one submission).

Conditions:
Vici syndrome (VICIS). Identifiers: Orphanet 1493, MedGen C1855772, MONDO:0009452, OMIM 242840.

Allele frequency attached by ClinVar (database versions not stated): gnomAD 0.00001; gnomAD exomes 0.00002; TOPMed 0.00003; ExAC 0.00006.
gnomAD v4.1: 13 of 1,559,938 alleles (0.00083%); highest among the groups gnomAD compares: Admixed American, 0.025%; no homozygotes.

Submission:

Labcorp Genetics (formerly Invitae), Labcorp
Classification: Uncertain significance for Vici syndrome. Last evaluated: 2022-08-11. Review status: criteria provided, single submitter. Criteria: Invitae Variant Classification Sherloc (09022015). Collection method: clinical testing. Allele origin: germline.
Comment: This sequence change replaces serine, which is neutral and polar, with glycine, which is neutral and non-polar, at codon 424 of the EPG5 protein (p.Ser424Gly). This variant is present in population databases (rs758279694, gnomAD 0.05%). This variant has not been reported in the literature in individuals affected with EPG5-related conditions. Algorithms developed to predict the effect of missense changes on protein structure and function are either unavailable or do not agree on the potential impact of this missense change (SIFT: "Tolerated"; PolyPhen-2: "Probably Damaging"; Align-GVGD: "Class C0"). In summary, the available evidence is currently insufficient to determine the role of this variant in disease. Therefore, it has been classified as a Variant of Uncertain Significance.